The following is an entry in ClinVar:

ClinVar aggregate classification (germline): Uncertain significance. Review status: criteria provided, multiple submitters, no conflicts (2 of 4 stars). 2 submissions from 2 submitters: Uncertain significance (2). Last evaluated 2025-10-08.

Conditions:
Inborn genetic diseases. Identifiers: MedGen C0950123, MeSH D030342.

Submissions (2):

Labcorp Genetics (formerly Invitae), Labcorp
Classification: Uncertain significance. Last evaluated: 2025-10-08. Review status: criteria provided, single submitter. Criteria: Invitae Variant Classification Sherloc (09022015). Collection method: clinical testing. Allele origin: germline.
Comment: This sequence change replaces aspartic acid, which is acidic and polar, with glycine, which is neutral and non-polar, at codon 144 of the SERPING1 protein (p.Asp144Gly). This variant is not present in population databases (gnomAD no frequency). This variant has not been reported in the literature in individuals affected with SERPING1-related conditions. Invitae Evidence Modeling of protein sequence and biophysical properties (such as structural, functional, and spatial information, amino acid conservation, physicochemical variation, residue mobility, and thermodynamic stability) has been performed for this missense variant. However, the output from this modeling did not meet the statistical confidence thresholds required to predict the impact of this variant on SERPING1 protein function. In summary, the available evidence is currently insufficient to determine the role of this variant in disease. Therefore, it has been classified as a Variant of Uncertain Significance.

Ambry Genetics
Classification: Uncertain significance for Inborn genetic diseases. Last evaluated: 2025-08-31. Review status: criteria provided, single submitter. Criteria: Ambry Variant Classification Scheme 2023. Collection method: clinical testing. Allele origin: germline.
Comment: The p.D144G variant (also known as c.431A>G), located in coding exon 2 of the SERPING1 gene, results from an A to G substitution at nucleotide position 431. The aspartic acid at codon 144 is replaced by glycine, an amino acid with similar properties. This amino acid position is conserved. In addition, the in silico prediction for this alteration is inconclusive. Based on the available evidence, the clinical significance of this variant remains unclear.

NM_000062.3(SERPING1):c.431A>G (p.Asp144Gly)

Gene: SERPING1 (serpin family G member 1; plus strand). Cytogenetic location: 11q12.1.
Variant type: single nucleotide variant.
Coding change: c.431A>G on transcript NM_000062.3 (MANE Select); coding-DNA position 431, A replaced by G.
Protein change: p.Asp144Gly; replaces aspartic acid 144 with glycine.
Molecular consequence: missense variant.
Genome position (GRCh38, 1-based): chr11:57,600,258, A>G. VCF-style: chr11-57600258-A-G. GRCh37 (hg19) VCF-style: chr11-57367731-A-G.
Other names: c.431A>G, p.Asp144Gly (NM_001032295.2); short protein forms D144G.
Identifiers: ClinVar variation 4162996 (VCV004162996.2).
Genomic context (GRCh38, chr11:57,600,258, plus strand): 5'-CAGGACCTGTTACTCTCTGCTCTGACTTGGAGAGTCATTCAACAGAGGCCGTGTTGGGGG[A>G]TGCTTTGGTAGATTTCTCCCTGAAGCTCTACCACGCCTTCTCAGCAATGAAGAAGGTGGA-3'
Protein context (NP_000053.2, residues 134-154): ESHSTEAVLG[Asp144Gly]ALVDFSLKLY